The following is an entry in ClinVar:

ClinVar aggregate classification (germline): Pathogenic (1 of 4 stars; one submission).

Conditions:
Holocarboxylase synthetase deficiency. Also called: MULTIPLE CARBOXYLASE DEFICIENCY, EARLY ONSET. Identifiers: Orphanet 79242, MedGen C0268581, MONDO:0009666, OMIM 253270.

Submission:

Labcorp Genetics (formerly Invitae), Labcorp
Classification: Pathogenic for Holocarboxylase synthetase deficiency. Last evaluated: 2023-12-11. Review status: criteria provided, single submitter. Criteria: Invitae Variant Classification Sherloc (09022015). Collection method: clinical testing. Allele origin: germline.
Comment: This sequence change creates a premature translational stop signal (p.Gln623*) in the HLCS gene. It is expected to result in an absent or disrupted protein product. Loss-of-function variants in HLCS are known to be pathogenic (PMID: 16134170). This variant is not present in population databases (gnomAD no frequency). This variant has not been reported in the literature in individuals affected with HLCS-related conditions. For these reasons, this variant has been classified as Pathogenic.

Literature cited by the submitters: PubMed 16134170.

NM_001352514.2(HLCS):c.2308C>T (p.Gln770Ter)

Gene: HLCS (holocarboxylase synthetase; minus strand). Cytogenetic location: 21q22.13.
Variant type: single nucleotide variant.
Coding change: c.2308C>T on transcript NM_001352514.2 (MANE Select); coding-DNA position 2308, C replaced by T.
Protein change: p.Gln770Ter; replaces glutamine 770 with a stop codon.
Molecular consequence: nonsense. On other transcripts: non-coding transcript variant (2).
Genome position (GRCh38, 1-based): chr21:36,756,684, G>A on the plus strand (C>T on the coding strand, the complement: HLCS is on the minus strand). VCF-style: chr21-36756684-G-A. GRCh37 (hg19) VCF-style: chr21-38128985-G-A.
Other names: c.1867C>T, p.Gln623Ter (NM_000411.8, NM_001242784.3, NM_001242785.2 and 4 more transcripts); short protein forms Q770*, Q623*.
Identifiers: ClinVar variation 2702226 (VCV002702226.3), dbSNP rs2089614259, ClinGen allele CA409919265.
Genomic context (GRCh38, chr21:36,756,684, plus strand): 5'-CAGTCACGACTCTGGCGATGAGATAATCGGCTCTTAAGGGCTTCAGTTCTGCCTTGTGTT[G>A]TTTATTGTATTCTGTGATGAGGTCGTTGATGCAGATGGTAGGGTTACTGTTAGTCACATT-3'